The following is an entry in ClinVar:

NM_006060.6(IKZF1):c.1394A>C (p.Glu465Ala)

Gene: IKZF1 (IKAROS family zinc finger 1; plus strand). Cytogenetic location: 7p12.2.
Variant type: single nucleotide variant.
Coding change: c.1394A>C on transcript NM_006060.6 (MANE Select); coding-DNA position 1394, A replaced by C.
Protein change: p.Glu465Ala; replaces glutamic acid 465 with alanine.
Molecular consequence: missense variant.
Genome position (GRCh38, 1-based): chr7:50,400,461, A>C. VCF-style: chr7-50400461-A-C. GRCh37 (hg19) VCF-style: chr7-50468159-A-C.
Other names: c.1268A>C, p.Glu423Ala (NM_001220765.3, NM_001291837.2); c.1103A>C, p.Glu368Ala (NM_001220767.2); c.1133A>C, p.Glu378Ala (NM_001220768.2, NM_001291838.2); c.977A>C, p.Glu326Ala (NM_001220770.2); c.965A>C, p.Glu322Ala (NM_001220771.2, NM_001291841.1); c.1007A>C, p.Glu336Ala (NM_001291839.2); c.704A>C, p.Glu235Ala (NM_001291840.1); c.935A>C, p.Glu312Ala (NM_001291842.1); and 3 more; short protein forms E368A, E485A, E270A, E280A, E378A, E312A, E322A, E326A.
Identifiers: ClinVar variation 3697774 (VCV003697774.2).

ClinVar aggregate classification (germline): Uncertain significance (1 of 4 stars; one submission).

gnomAD v4.1: 8 of 1,613,972 alleles (0.0005%); highest among the groups gnomAD compares: Non-Finnish European, 0.00025%; no homozygotes.

Submission:

Labcorp Genetics (formerly Invitae), Labcorp
Classification: Uncertain significance. Last evaluated: 2024-02-28. Review status: criteria provided, single submitter. Criteria: Invitae Variant Classification Sherloc (09022015). Collection method: clinical testing. Allele origin: germline.
Comment: This sequence change replaces glutamic acid, which is acidic and polar, with alanine, which is neutral and non-polar, at codon 465 of the IKZF1 protein (p.Glu465Ala). This variant is present in population databases (rs751617536, gnomAD 0.02%). This variant has not been reported in the literature in individuals affected with IKZF1-related conditions. An algorithm developed to predict the effect of missense changes on protein structure and function (PolyPhen-2) suggests that this variant is likely to be disruptive. In summary, the available evidence is currently insufficient to determine the role of this variant in disease. Therefore, it has been classified as a Variant of Uncertain Significance.